The following is an entry in ClinVar:

ClinVar aggregate classification (germline): Conflicting classifications of pathogenicity. Review status: criteria provided, conflicting classifications (1 of 4 stars). 9 submissions from 9 submitters: Uncertain significance (7); Likely benign (1). 1 of the submissions does not count toward it. Last evaluated 2025-12-22.

Conditions:
COQ8A-related disorder. Also called: COQ8A-related condition.
Autosomal recessive ataxia due to ubiquinone deficiency. Also called: SPINOCEREBELLAR ATAXIA, AUTOSOMAL RECESSIVE 9; Coenzyme Q10 deficiency, primary, 4. Identifiers: Orphanet 139485, MedGen C2677589, MONDO:0012784, OMIM 612016.

Allele frequency attached by ClinVar (database versions not stated): TOPMed 0.00018; gnomAD 0.00025; gnomAD exomes 0.00026 and 0.00031; ExAC 0.00038; ESP Exome Variant Server 0.00038.
gnomAD v4.1: 416 of 1,613,492 alleles (0.026%); highest among the groups gnomAD compares: Middle Eastern, 0.033%; 1 homozygote.

Submissions (9):

Labcorp Genetics (formerly Invitae), Labcorp
Classification: Likely benign. Last evaluated: 2025-12-22. Review status: criteria provided, single submitter. Criteria: Invitae Variant Classification Sherloc (09022015). Collection method: clinical testing. Allele origin: germline.

Athena Diagnostics
Classification: Uncertain significance. Last evaluated: 2025-05-13. Review status: criteria provided, single submitter. Criteria: Athena Diagnostics Criteria. Collection method: clinical testing. Allele origin: unknown.
Comment: Available data are insufficient to determine the clinical significance of the variant at this time. The frequency of this variant in the general population is higher than would generally be expected for pathogenic variants in this gene. Polyphen and MutationTaster yielded discordant predictions regarding whether this amino acid change is damaging to the protein.

Mayo Clinic Laboratories, Mayo Clinic
Classification: Uncertain significance. Last evaluated: 2025-03-27. Review status: criteria provided, single submitter. Criteria: ACMG Guidelines, 2015. Collection method: clinical testing. Allele origin: germline. Observed: 2 variant alleles.
Comment: BP4_moderate

Women's Health and Genetics/Laboratory Corporation of America, LabCorp
Classification: Uncertain significance. Last evaluated: 2024-04-10. Review status: criteria provided, single submitter. Criteria: LabCorp Variant Classification Summary - May 2015. Collection method: clinical testing. Allele origin: germline.
Comment: Variant summary: COQ8A c.1286A>G (p.Tyr429Cys) results in a non-conservative amino acid change in the ABC1 atypical kinase-like domain (IPR004147) of the coded protein sequence. Three of five in-silico tools predict a damaging effect of the variant on protein function. The variant allele was found at a frequency of 0.00031 in 250510 control chromosomes. c.1286A>G has been reported in the literature in two siblings affected with Autosomal Recessive Adult-onset cerebellar ataxia, without second reportable variant (Horvath_2012). These report(s) do not provide unequivocal conclusions about association of the variant with Autosomal Recessive Ataxia Due To Ubiquinone Deficiency. To our knowledge, no experimental evidence demonstrating an impact on protein function has been reported. The following publication have been ascertained in the context of this evaluation (PMID: 22036850). ClinVar contains an entry for this variant (Variation ID: 214044). Based on the evidence outlined above, the variant was classified as uncertain significance.

Baylor Genetics
Classification: Uncertain significance for Autosomal recessive ataxia due to ubiquinone deficiency. Last evaluated: 2020-07-09. Review status: criteria provided, single submitter. Criteria: ACMG Guidelines, 2015. Collection method: clinical testing. Allele origin: unknown. Affected: yes.
Comment: This variant was determined to be of uncertain significance according to ACMG Guidelines, 2015 [PMID:25741868].

Fulgent Genetics
Classification: Uncertain significance for Autosomal recessive ataxia due to ubiquinone deficiency. Last evaluated: 2018-10-31. Review status: criteria provided, single submitter. Criteria: ACMG Guidelines, 2015. Collection method: clinical testing. Allele origin: unknown.

Illumina Laboratory Services, Illumina
Classification: Uncertain significance for Autosomal recessive ataxia due to ubiquinone deficiency. Last evaluated: 2017-04-28. Review status: criteria provided, single submitter. Criteria: ICSL Variant Classification Criteria 13 December 2019. Collection method: clinical testing. Allele origin: germline.

GeneDx
Classification: Uncertain significance. Last evaluated: 2016-03-24. Review status: criteria provided, single submitter. Criteria: GeneDx Variant Classification (06012015). Collection method: clinical testing. Allele origin: germline. Affected: yes.
Comment: The Y429C missense mutation in the ADCK3 gene has been reported previously in association with adult-onset cerebellar ataxia according to the Human Gene Mutation Database (Hovarth et al., 2012).

PreventionGenetics, part of Exact Sciences
Classification: Uncertain significance for COQ8A-related condition. Last evaluated: 2024-06-20. Review status: no assertion criteria provided. Collection method: clinical testing. Allele origin: germline. Not counted in ClinVar's aggregate classification.
Comment: The COQ8A c.1286A>G variant is predicted to result in the amino acid substitution p.Tyr429Cys. This variant was reported without a second variant in COQ8A in an individual with adult-onset cerebellar ataxia (Horvath et al 2012. PubMed ID: 22036850). This variant is reported in 0.061% of alleles in individuals of European (non-Finnish) descent in gnomAD. At this time, the clinical significance of this variant is uncertain due to the absence of conclusive functional and genetic evidence.

Literature cited by the submitters: PubMed 22036850 (cited by 3 submitters); PubMed 25356967 (cited by Athena Diagnostics); PubMed 33677064 (cited by Mayo Clinic Laboratories, Mayo Clinic); PubMed 34638552 (cited by Mayo Clinic Laboratories, Mayo Clinic); PubMed 37476682 (cited by Mayo Clinic Laboratories, Mayo Clinic).

NM_020247.5(COQ8A):c.1286A>G (p.Tyr429Cys)

Gene: COQ8A (coenzyme Q8A; plus strand). Cytogenetic location: 1q42.13.
Variant type: single nucleotide variant.
Coding change: c.1286A>G on transcript NM_020247.5 (MANE Select); coding-DNA position 1286, A replaced by G.
Protein change: p.Tyr429Cys; replaces tyrosine 429 with cysteine.
Molecular consequence: missense variant.
Genome position (GRCh38, 1-based): chr1:226,984,123, A>G. VCF-style: chr1-226984123-A-G. GRCh37 (hg19) VCF-style: chr1-227171824-A-G.
Other names: p.Y429C:TAT>TGT; short protein forms Y429C.
Identifiers: ClinVar variation 214044 (VCV000214044.21), dbSNP rs144147839, ClinGen allele CA322125.